The following is an entry in ClinVar:

NM_003730.6(RNASET2):c.680G>C (p.Trp227Ser)

Gene: RNASET2 (ribonuclease T2; minus strand). Cytogenetic location: 6q27.
Variant type: single nucleotide variant.
Coding change: c.680G>C on transcript NM_003730.6 (MANE Select); coding-DNA position 680, G replaced by C.
Protein change: p.Trp227Ser; replaces tryptophan 227 with serine.
Molecular consequence: missense variant.
Genome position (GRCh38, 1-based): chr6:166,929,679, C>G on the plus strand (G>C on the coding strand, the complement: RNASET2 is on the minus strand). VCF-style: chr6-166929679-C-G. GRCh37 (hg19) VCF-style: chr6-167343167-C-G.
Other names: short protein forms W227S.
Identifiers: ClinVar variation 1501895 (VCV001501895.5), dbSNP rs145013301, ClinGen allele CA4094816.

ClinVar aggregate classification (germline): Uncertain significance (1 of 4 stars; one submission).

Allele frequency attached by ClinVar (database versions not stated): gnomAD exomes 0.00003 and 0.00012; ExAC 0.00013; 1000 Genomes Project 30x 0.00016; gnomAD 0.00048 and 0.00052; TOPMed 0.00060; ESP Exome Variant Server 0.00077.

Submission:

Labcorp Genetics (formerly Invitae), Labcorp
Classification: Uncertain significance. Last evaluated: 2024-12-02. Review status: criteria provided, single submitter. Criteria: Invitae Variant Classification Sherloc (09022015). Collection method: clinical testing. Allele origin: germline.
Comment: This sequence change replaces tryptophan, which is neutral and slightly polar, with serine, which is neutral and polar, at codon 227 of the RNASET2 protein (p.Trp227Ser). This variant is present in population databases (rs145013301, gnomAD 0.1%). This variant has not been reported in the literature in individuals affected with RNASET2-related conditions. ClinVar contains an entry for this variant (Variation ID: 1501895). An algorithm developed to predict the effect of missense changes on protein structure and function (PolyPhen-2) suggests that this variant¬†is likely to be tolerated. In summary, the available evidence is currently insufficient to determine the role of this variant in disease. Therefore, it has been classified as a Variant of Uncertain Significance.